The following is an entry in ClinVar:

ClinVar aggregate classification (germline): Uncertain significance (1 of 4 stars; one submission).

Submission:

Ambry Genetics
Classification: Uncertain significance. Last evaluated: 2022-10-22. Review status: criteria provided, single submitter. Criteria: Ambry Variant Classification Scheme 2023. Collection method: clinical testing. Allele origin: germline.
Comment: The p.A1252V variant (also known as c.3755C>T), located in coding exon 31 of the PRKDC gene, results from a C to T substitution at nucleotide position 3755. The alanine at codon 1252 is replaced by valine, an amino acid with similar properties. This amino acid position is conserved. Since supporting evidence is limited at this time, the clinical significance of this alteration remains unclear.

NM_006904.7(PRKDC):c.3755C>T (p.Ala1252Val)

Gene: PRKDC (protein kinase, DNA-activated, catalytic subunit; minus strand). Cytogenetic location: 8q11.21.
Variant type: single nucleotide variant.
Coding change: c.3755C>T on transcript NM_006904.7 (MANE Select); coding-DNA position 3755, C replaced by T.
Protein change: p.Ala1252Val; replaces alanine 1252 with valine.
Molecular consequence: missense variant.
Genome position (GRCh38, 1-based): chr8:47,893,231, G>A on the plus strand (C>T on the coding strand, the complement: PRKDC is on the minus strand). VCF-style: chr8-47893231-G-A. GRCh37 (hg19) VCF-style: chr8-48805792-G-A.
Other names: c.3755C>T, p.Ala1252Val (NM_001081640.2); short protein forms A1252V.
Identifiers: ClinVar variation 1734594 (VCV001734594.2), dbSNP rs1348054969, ClinGen allele CA371150402.